The following is an entry in ClinVar:

ClinVar aggregate classification (germline): Conflicting classifications of pathogenicity. Review status: criteria provided, conflicting classifications (1 of 4 stars). 3 submissions from 3 submitters: Uncertain significance (1); Benign (1); Likely benign (1). Last evaluated 2026-01-13.

Conditions:
Inborn genetic diseases. Identifiers: MedGen C0950123, MeSH D030342.

Allele frequency attached by ClinVar (database versions not stated): gnomAD 0.00017 and 0.00002; gnomAD exomes 0.00024 and 0.00054; ExAC 0.00073; 1000 Genomes Project 0.00140; 1000 Genomes Project 30x 0.00141; TOPMed 0.00004.

Submissions (3):

Labcorp Genetics (formerly Invitae), Labcorp
Classification: Benign. Last evaluated: 2026-01-13. Review status: criteria provided, single submitter. Criteria: Invitae Variant Classification Sherloc (09022015). Collection method: clinical testing. Allele origin: germline.

Ambry Genetics
Classification: Uncertain significance for Inborn genetic diseases. Last evaluated: 2021-06-23. Review status: criteria provided, single submitter. Criteria: Ambry Variant Classification Scheme 2023. Collection method: clinical testing. Allele origin: germline.
Comment: The p.S8G variant (also known as c.22A>G), located in coding exon 1 of the MRAS gene, results from an A to G substitution at nucleotide position 22. The serine at codon 8 is replaced by glycine, an amino acid with similar properties. This amino acid position is conserved. In addition, this alteration is predicted to be tolerated by in silico analysis. Since supporting evidence is limited at this time, the clinical significance of this alteration remains unclear.

Women's Health and Genetics/Laboratory Corporation of America, LabCorp
Classification: Likely benign. Last evaluated: 2017-07-05. Review status: criteria provided, single submitter. Criteria: LabCorp Variant Classification Summary - May 2015. Collection method: clinical testing. Allele origin: germline.
Comment: Variant summary: The MRAS c.22A>G (p.Ser8Gly) variant involves the alteration of a conserved nucleotide. 2/3 in silico tools predict a damaging outcome for this variant (SNPsandGO not captured due to low reliability index). This variant was found in 88/120948 control chromosomes from ExAC, predominantly observed in the South Asian subpopulation at a frequency of 0.005263 (86/16342). This frequency is about 2105 times the estimated maximal expected allele frequency of a pathogenic MRAS variant (0.0000025), suggesting this is likely a benign polymorphism found primarily in the populations of South Asian origin. The variant of interest has not, to our knowledge, been reported in affected individuals via publications and/or reputable databases/clinical diagnostic laboratories. Taken together, this variant is classified as likely benign.

NM_001085049.3(MRAS):c.22A>G (p.Ser8Gly)

Gene: MRAS (muscle RAS oncogene homolog; plus strand). Cytogenetic location: 3q22.3.
Variant type: single nucleotide variant.
Coding change: c.22A>G on transcript NM_001085049.3 (MANE Select); coding-DNA position 22, A replaced by G.
Protein change: p.Ser8Gly; replaces serine 8 with glycine.
Molecular consequence: missense variant. On other transcripts: intron variant (3).
Genome position (GRCh38, 1-based): chr3:138,372,905, A>G. VCF-style: chr3-138372905-A-G. GRCh37 (hg19) VCF-style: chr3-138091747-A-G.
Other names: c.22A>G, p.Ser8Gly (NM_001252090.2, NM_012219.4); c.-35-24419A>G (NM_001252091.1); c.-36+24138A>G (NM_001252093.2); c.-36+23873A>G (NM_001252092.2); short protein forms S8G.
Identifiers: ClinVar variation 496408 (VCV000496408.11), dbSNP rs547745521, ClinGen allele CA2636918.
Genomic context (GRCh38, chr3:138,372,905, plus strand): 5'-CCACATGTCTTGCTGCCGCAGGTCTGACCTACGAGAAACATGGCAACCAGCGCCGTCCCC[A>G]GTGACAACCTCCCCACATACAAGCTGGTGGTGGTGGGGGATGGGGGTGTGGGCAAAAGTG-3'
Protein context (NP_001078518.1, residues 1-18): MATSAVP[Ser8Gly]DNLPTYKLVV